The following is an entry in ClinVar:

ClinVar aggregate classification (germline): Conflicting classifications of pathogenicity. Review status: criteria provided, conflicting classifications (1 of 4 stars). 7 submissions from 6 submitters: Uncertain significance (2); Benign (1); Likely benign (4). Last evaluated 2026-01-21.

Conditions:
MYH9-related disorder. Identifiers: MedGen C1854520.
Autosomal dominant nonsyndromic hearing loss 17. Also called: Autosomal dominant nonsyndromic deafness 17; Deafness, autosomal dominant 17. Identifiers: Orphanet 90635, MedGen C1863659, MONDO:0011350, OMIM 603622.

Allele frequency attached by ClinVar (database versions not stated): 1000 Genomes Project 0.00020; ExAC 0.00025; gnomAD exomes 0.00029 and 0.00039; 1000 Genomes Project 30x 0.00031; ESP Exome Variant Server 0.00031; gnomAD 0.00034 and 0.00035; TOPMed 0.00067.
gnomAD v4.1: 612 of 1,613,664 alleles (0.038%); highest among the groups gnomAD compares: Admixed American, 0.062%; no homozygotes.

Submissions (7):

Labcorp Genetics (formerly Invitae), Labcorp
Classification: Likely benign. Last evaluated: 2026-01-21. Review status: criteria provided, single submitter. Criteria: Invitae Variant Classification Sherloc (09022015). Collection method: clinical testing. Allele origin: germline.

Blueprint Genetics
Classification: Likely benign. Last evaluated: 2024-10-08. Review status: criteria provided, single submitter. Criteria: ACMG Guidelines, 2015. Collection method: clinical testing. Allele origin: germline.

GeneDx
Classification: Likely benign. Last evaluated: 2021-05-05. Review status: criteria provided, single submitter. Criteria: GeneDx Variant Classification Process June 2021. Collection method: clinical testing. Allele origin: germline. Affected: yes.

Illumina Laboratory Services, Illumina
Classification: Benign for MYH9-related disorder. Last evaluated: 2018-01-13. Review status: criteria provided, single submitter. Criteria: ICSL Variant Classification Criteria 13 December 2019. Collection method: clinical testing. Allele origin: germline.
Comment: This variant was observed in the ICSL laboratory as part of a predisposition screen in an ostensibly healthy population. It had not been previously curated by ICSL or reported in the Human Gene Mutation Database (HGMD: prior to June 1st, 2018), and was therefore a candidate for classification through an automated scoring system. Utilizing variant allele frequency, disease prevalence and penetrance estimates, and inheritance mode, an automated score was calculated to assess if this variant is too frequent to cause the disease. Based on the score and internal cut-off values, a variant classified as benign is not then subjected to further curation. The score for this variant resulted in a classification of benign for this disease.

Illumina Laboratory Services, Illumina
Classification: Uncertain significance for Autosomal dominant nonsyndromic hearing loss 17. Last evaluated: 2018-01-13. Review status: criteria provided, single submitter. Criteria: ICSL Variant Classification Criteria 13 December 2019. Collection method: clinical testing. Allele origin: germline.

Eurofins Ntd Llc (ga)
Classification: Uncertain significance. Last evaluated: 2017-05-01. Review status: criteria provided, single submitter. Criteria: EGL Classification Definitions 2015. Collection method: clinical testing. Allele origin: germline. Observed: 2 variant alleles, 2 heterozygotes.

Laboratory for Molecular Medicine, Mass General Brigham Personalized Medicine
Classification: Likely benign. Last evaluated: 2016-06-09. Review status: criteria provided, single submitter. Criteria: LMM Criteria. Collection method: clinical testing. Allele origin: germline. Observed: 1 variant allele.
Comment: p.Ser1606Ser in exon 34 of MYH9: This variant is not expected to have clinical s ignificance because it does not alter an amino acid residue, and it is not locat ed within the splice consensus sequence. It has been identified in 25/66702 Eur opean chromosomes by the Exome Aggregation Consortium (ExAC; dbSNP rs202132383).

NM_002473.6(MYH9):c.4818G>A (p.Ser1606=)

Gene: MYH9 (myosin heavy chain 9; minus strand). Cytogenetic location: 22q12.3.
Variant type: single nucleotide variant.
Coding change: c.4818G>A on transcript NM_002473.6 (MANE Select); coding-DNA position 4818, G replaced by A.
Protein change: p.Ser1606=; no amino-acid change (serine 1606 retained).
Molecular consequence: synonymous variant.
Genome position (GRCh38, 1-based): chr22:36,288,366, C>T on the plus strand (G>A on the coding strand, the complement: MYH9 is on the minus strand). VCF-style: chr22-36288366-C-T. GRCh37 (hg19) VCF-style: chr22-36684412-C-T.
Identifiers: ClinVar variation 290063 (VCV000290063.25), dbSNP rs202132383, ClinGen allele CA10209279.